The following is an entry in ClinVar:

ClinVar aggregate classification (germline): Uncertain significance. Review status: criteria provided, multiple submitters, no conflicts (2 of 4 stars). 3 submissions from 3 submitters: Uncertain significance (3). Last evaluated 2024-06-27.

Conditions:
Inborn genetic diseases. Identifiers: MedGen C0950123, MeSH D030342.

Allele frequency attached by ClinVar (database versions not stated): gnomAD 0.00003 and 0.00004; ESP Exome Variant Server 0.00008; TOPMed 0.00013.
gnomAD v4.1: 122 of 1,549,742 alleles (0.0079%); highest among the groups gnomAD compares: Middle Eastern, 0.052%; no homozygotes.

Submissions (3):

Blueprint Genetics
Classification: Uncertain significance. Last evaluated: 2024-06-27. Review status: criteria provided, single submitter. Criteria: ACMG Guidelines, 2015. Collection method: clinical testing. Allele origin: germline.

GeneDx
Classification: Uncertain significance. Last evaluated: 2024-06-06. Review status: criteria provided, single submitter. Criteria: GeneDx Variant Classification Process June 2021. Collection method: clinical testing. Allele origin: germline. Affected: yes.
Comment: Has not been previously published as pathogenic or benign to our knowledge; In silico analysis, which includes protein predictors and evolutionary conservation, supports that this variant does not alter protein structure/function

Ambry Genetics
Classification: Uncertain significance for Inborn genetic diseases. Last evaluated: 2016-09-20. Review status: criteria provided, single submitter. Criteria: Ambry Variant Classification Scheme 2023. Collection method: clinical testing. Allele origin: germline.
Comment: The p.A50S variant (also known as c.148G>T), located in coding exon 2 of the CC2D1A gene, results from a G to T substitution at nucleotide position 148. The alanine at codon 50 is replaced by serine, an amino acid with similar properties. This variant was previously reported in the SNPDatabase as rs368933699. Based on data from the NHLBI Exome Sequencing Project (ESP), the T allele has an overall frequency of approximately 0.01% (1/12178) total alleles studied and 0.01% (1/8284) European American alleles. This amino acid position is well conserved in available vertebrate species. In addition, this alteration is predicted to be tolerated by in silico analysis. Since supporting evidence is limited at this time, the clinical significance of this alteration remains unclear.

NM_017721.5(CC2D1A):c.148G>T (p.Ala50Ser)

Gene: CC2D1A (coiled-coil and C2 domain containing 1A; plus strand). Cytogenetic location: 19p13.12.
Variant type: single nucleotide variant.
Coding change: c.148G>T on transcript NM_017721.5 (MANE Select); coding-DNA position 148, G replaced by T.
Protein change: p.Ala50Ser; replaces alanine 50 with serine.
Molecular consequence: missense variant.
Genome position (GRCh38, 1-based): chr19:13,909,910, G>T. VCF-style: chr19-13909910-G-T. GRCh37 (hg19) VCF-style: chr19-14020723-G-T.
Other names: short protein forms A50S.
Identifiers: ClinVar variation 589401 (VCV000589401.9), dbSNP rs368933699, ClinGen allele CA9244186.